The following is an entry in ClinVar:

NM_015021.3(ZNF292):c.6029C>T (p.Ala2010Val)

Gene: ZNF292 (zinc finger protein 292; plus strand). Cytogenetic location: 6q14.3.
Variant type: single nucleotide variant.
Coding change: c.6029C>T on transcript NM_015021.3 (MANE Select); coding-DNA position 6029, C replaced by T.
Protein change: p.Ala2010Val; replaces alanine 2010 with valine.
Molecular consequence: missense variant.
Genome position (GRCh38, 1-based): chr6:87,259,658, C>T. VCF-style: chr6-87259658-C-T. GRCh37 (hg19) VCF-style: chr6-87969376-C-T.
Other names: c.5609C>T, p.Ala1870Val (NM_001351444.2); short protein forms A1870V, A2010V.
Identifiers: ClinVar variation 2656753 (VCV002656753.25), dbSNP rs751384080, ClinGen allele CA3914558.
Genomic context (GRCh38, chr6:87,259,658, plus strand): 5'-GAAAATCTCAGAGTGAAAATGTGCCGGCCTCACGAAGTACACAAGTGAAAAAACAGCTAG[C>T]TATGACAGAGGAAAATAAAAAGGAATCTCAGCCTGCTTTAGAATTGAGAGCAGAGACCCA-3'
Protein context (NP_055836.1, residues 2000-2020): SRSTQVKKQL[Ala2010Val]MTEENKKESQ

ClinVar aggregate classification (germline): Conflicting classifications of pathogenicity. Review status: criteria provided, conflicting classifications (1 of 4 stars). 2 submissions from 2 submitters: Uncertain significance (1); Likely benign (1). Last evaluated 2026-05-07.

Allele frequency attached by ClinVar (database versions not stated): gnomAD exomes 0.00001; ExAC 0.00004.
gnomAD v4.1: 7 of 1,588,378 alleles (0.00044%); highest among the groups gnomAD compares: African/African-American, 0.0013%; no homozygotes.

Submissions (2):

Women's Health and Genetics/Laboratory Corporation of America, LabCorp
Classification: Uncertain significance. Last evaluated: 2026-05-07. Review status: criteria provided, single submitter. Criteria: LabCorp Variant Classification Summary - May 2015. Collection method: clinical testing. Allele origin: germline.
Comment: Variant summary: ZNF292 c.6029C>T (p.Ala2010Val) results in a non-conservative amino acid change in the encoded protein sequence. Algorithms developed to predict the effect of missense changes on protein structure and function are either unavailable or do not agree on the potential impact of this missense change. The variant allele was found at a frequency of 9.6e-06 in 207914 control chromosomes. The available data on variant occurrences in the general population are insufficient to allow any conclusion about variant significance. To our knowledge, no occurrence of c.6029C>T in individuals affected with ZNF292-related conditions and no experimental evidence demonstrating its impact on protein function have been reported. ClinVar contains an entry for this variant (Variation ID: 2656753). Based on the evidence outlined above, the variant was classified as uncertain significance.

CeGaT Center for Human Genetics Tuebingen
Classification: Likely benign. Last evaluated: 2024-08-01. Review status: criteria provided, single submitter. Criteria: CeGaT Center For Human Genetics Tuebingen Variant Classification Criteria Version 2. Collection method: clinical testing. Allele origin: germline. Affected: yes. Observed: 2 variant alleles.
Comment: ZNF292: BP4, BS1